The following is an entry in ClinVar:

ClinVar aggregate classification (germline): Uncertain significance (1 of 4 stars; one submission).

Conditions:
Thrombophilia due to protein C deficiency, autosomal dominant. Also called: PROC DEFICIENCY, AUTOSOMAL DOMINANT; PROTEIN C DEFICIENCY, AUTOSOMAL DOMINANT. Identifiers: Orphanet 745, MedGen C2674321, MONDO:0008316, OMIM 176860. Disease mechanism: loss of function.

Submission:

Labcorp Genetics (formerly Invitae), Labcorp
Classification: Uncertain significance for Thrombophilia due to protein C deficiency, autosomal dominant. Last evaluated: 2024-10-03. Review status: criteria provided, single submitter. Criteria: Invitae Variant Classification Sherloc (09022015). Collection method: clinical testing. Allele origin: germline.
Comment: This sequence change replaces glycine, which is neutral and non-polar, with cysteine, which is neutral and slightly polar, at codon 334 of the PROC protein (p.Gly334Cys). This variant is present in population databases (no rsID available, gnomAD 0.01%). This variant has not been reported in the literature in individuals affected with PROC-related conditions. ClinVar contains an entry for this variant (Variation ID: 1355456). Invitae Evidence Modeling of protein sequence and biophysical properties (such as structural, functional, and spatial information, amino acid conservation, physicochemical variation, residue mobility, and thermodynamic stability) indicates that this missense variant is expected to disrupt PROC protein function with a positive predictive value of 80%. This variant disrupts the p.Gly334 amino acid residue in PROC. Other variant(s) that disrupt this residue have been determined to be pathogenic (PMID: 1593215, 1868249). This suggests that this residue is clinically significant, and that variants that disrupt this residue are likely to be disease-causing. In summary, the available evidence is currently insufficient to determine the role of this variant in disease. Therefore, it has been classified as a Variant of Uncertain Significance.

Literature cited by the submitters: PubMed 1593215; PubMed 1868249.

NM_000312.4(PROC):c.1000G>T (p.Gly334Cys)

Gene: PROC (protein C, inactivator of coagulation factors Va and VIIIa; plus strand). Cytogenetic location: 2q14.3.
Variant type: single nucleotide variant.
Coding change: c.1000G>T on transcript NM_000312.4 (MANE Select); coding-DNA position 1000, G replaced by T.
Protein change: p.Gly334Cys; replaces glycine 334 with cysteine.
Molecular consequence: missense variant.
Genome position (GRCh38, 1-based): chr2:127,428,560, G>T. VCF-style: chr2-127428560-G-T. GRCh37 (hg19) VCF-style: chr2-128186136-G-T.
Other names: c.1183G>T, p.Gly395Cys (NM_001375602.1); c.1165G>T, p.Gly389Cys (NM_001375603.1); c.1063G>T, p.Gly355Cys (NM_001375604.1); c.1102G>T, p.Gly368Cys (NM_001375605.1); c.1168G>T, p.Gly390Cys (NM_001375606.1); c.1186G>T, p.Gly396Cys (NM_001375607.1); c.943G>T, p.Gly315Cys (NM_001375608.1); c.976G>T, p.Gly326Cys (NM_001375609.1); and 2 more; short protein forms G315C, G326C, G332C, G389C, G390C, G395C, G334C, G368C.
Identifiers: ClinVar variation 1355456 (VCV001355456.6), dbSNP rs121918150, ClinGen allele CA348405334.